The following is an entry in ClinVar:

NM_000038.6(APC):c.5486A>G (p.Asn1829Ser)

Gene: APC (APC regulator of Wnt signaling pathway; plus strand). Cytogenetic location: 5q22.2.
Variant type: single nucleotide variant.
Coding change: c.5486A>G on transcript NM_000038.6 (MANE Select); coding-DNA position 5486, A replaced by G.
Protein change: p.Asn1829Ser; replaces asparagine 1829 with serine.
Molecular consequence: missense variant.
Genome position (GRCh38, 1-based): chr5:112,841,080, A>G. VCF-style: chr5-112841080-A-G. GRCh37 (hg19) VCF-style: chr5-112176777-A-G.
Other names: c.5486A>G, p.Asn1829Ser (NM_001127510.3, NM_001354895.2); c.5432A>G, p.Asn1811Ser (NM_001127511.3); c.5540A>G, p.Asn1847Ser (NM_001354896.2); c.5516A>G, p.Asn1839Ser (NM_001354897.2); c.5411A>G, p.Asn1804Ser (NM_001354898.2); c.5402A>G, p.Asn1801Ser (NM_001354899.2); c.5363A>G, p.Asn1788Ser (NM_001354900.2); c.5309A>G, p.Asn1770Ser (NM_001354901.2); and 5 more; short protein forms N1811S, N1829S, N1728S, N1839S, N1738S, N1788S, N1703S, N1801S.
Identifiers: ClinVar variation 419113 (VCV000419113.28), dbSNP rs767612847, ClinGen allele CA042093.

ClinVar aggregate classification (germline): Conflicting classifications of pathogenicity. Review status: criteria provided, conflicting classifications (1 of 4 stars). 7 submissions from 7 submitters: Uncertain significance (5); Benign (1); Likely benign (1). Last evaluated 2026-09-01.

Conditions:
Classic or attenuated familial adenomatous polyposis. Identifiers: MedGen CN372698, MONDO:0021057.
Hereditary cancer-predisposing syndrome. Also called: Hereditary Cancer Syndrome; Tumor predisposition; Hereditary neoplastic syndrome; Neoplastic Syndromes, Hereditary. Identifiers: Orphanet 140162, MedGen C0027672, MeSH D009386, MONDO:0015356.
Familial adenomatous polyposis 1 (FAP1). Also called: POLYPOSIS, ADENOMATOUS INTESTINAL; FAMILIAL ADENOMATOUS POLYPOSIS 1, ATTENUATED. Identifiers: MedGen C2713442, MONDO:0021056, OMIM 175100. Disease mechanism: loss of function.

Allele frequency attached by ClinVar (database versions not stated): TOPMed 0.00002; gnomAD exomes 0.00001 and 0.00004; gnomAD 0.00001 and below 0.00001; ExAC 0.00002.
gnomAD v4.1: 18 of 1,612,740 alleles (0.0011%); highest among the groups gnomAD compares: Admixed American, 0.013%; no homozygotes.

Submissions (7):

GeneDx
Classification: Uncertain significance. Last evaluated: 2026-09-01. Review status: criteria provided, single submitter. Criteria: GeneDx Variant Classification Process June 2021. Collection method: clinical testing. Allele origin: germline.
Comment: In silico analysis suggests that this missense variant does not alter protein structure/function; Has not been previously published as pathogenic or benign to our knowledge; This variant is associated with the following publications: (PMID: 18199528)

Labcorp Genetics (formerly Invitae), Labcorp
Classification: Uncertain significance for Familial adenomatous polyposis 1. Last evaluated: 2026-01-11. Review status: criteria provided, single submitter. Criteria: Invitae Variant Classification Sherloc (09022015). Collection method: clinical testing. Allele origin: germline.
Comment: This sequence change replaces asparagine, which is neutral and polar, with serine, which is neutral and polar, at codon 1829 of the APC protein (p.Asn1829Ser). This variant is present in population databases (rs767612847, gnomAD 0.02%). This variant has not been reported in the literature in individuals affected with APC-related conditions. ClinVar contains an entry for this variant (Variation ID: 419113). Invitae Evidence Modeling of protein sequence and biophysical properties (such as structural, functional, and spatial information, amino acid conservation, physicochemical variation, residue mobility, and thermodynamic stability) indicates that this missense variant is not expected to disrupt APC protein function with a negative predictive value of 95%. RNA analysis performed to evaluate the impact of this missense change on mRNA splicing indicates it does not significantly alter splicing (internal data). In summary, the available evidence is currently insufficient to determine the role of this variant in disease. Therefore, it has been classified as a Variant of Uncertain Significance.

Color Diagnostics, LLC DBA Color Health
Classification: Likely benign for Hereditary cancer-predisposing syndrome. Last evaluated: 2024-05-31. Review status: criteria provided, single submitter. Criteria: ACMG Guidelines, 2015. Collection method: clinical testing. Allele origin: germline.

All of Us Research Program, National Institutes of Health
Classification: Uncertain significance for Classic or attenuated familial adenomatous polyposis. Last evaluated: 2023-12-01. Review status: criteria provided, single submitter. Criteria: ACMG Guidelines, 2015. Collection method: clinical testing. Allele origin: germline. Inheritance: Autosomal dominant inheritance. Observed: 7 variant alleles, 7 heterozygotes.
Comment: This missense variant replaces asparagine with serine at codon 1829 of the APC protein. Computational prediction suggests that this variant may not impact protein structure and function (internally defined REVEL score threshold <= 0.5, PMID: 27666373). To our knowledge, functional studies have not been reported for this variant. This variant has not been reported in individuals affected with APC-related disorders in the literature. This variant has been identified in 10/250734 chromosomes in the general population by the Genome Aggregation Database (gnomAD). The available evidence is insufficient to determine the role of this variant in disease conclusively. Therefore, this variant is classified as a Variant of Uncertain Significance.

This study involves interpretation of variants in research participants for the purpose of population health screening. Participant phenotype was not available at the time of variant classification. Additional details can be found in publication PMID: 35346344, PMCID: PMC8962531

Ambry Genetics
Classification: Benign for Hereditary cancer-predisposing syndrome. Last evaluated: 2023-08-25. Review status: criteria provided, single submitter. Criteria: Ambry Variant Classification Scheme 2023. Collection method: clinical testing. Allele origin: germline.

Women's Health and Genetics/Laboratory Corporation of America, LabCorp
Classification: Uncertain significance. Last evaluated: 2021-09-16. Review status: criteria provided, single submitter. Criteria: LabCorp Variant Classification Summary - May 2015. Collection method: clinical testing. Allele origin: germline.

Quest Diagnostics Nichols Institute San Juan Capistrano
Classification: Uncertain significance. Last evaluated: 2021-04-22. Review status: criteria provided, single submitter. Criteria: Quest Diagnostics criteria. Collection method: clinical testing. Allele origin: unknown.